The following is an entry in ClinVar:

ClinVar aggregate classification (germline): Uncertain significance (1 of 4 stars; one submission).

gnomAD v4.1: 1 of 1,210,574 alleles (0.000083%); highest among the groups gnomAD compares: Admixed American, 0.0022%; no homozygotes.

Submission:

Labcorp Genetics (formerly Invitae), Labcorp
Classification: Uncertain significance. Last evaluated: 2025-08-21. Review status: criteria provided, single submitter. Criteria: Invitae Variant Classification Sherloc (09022015). Collection method: clinical testing. Allele origin: germline.
Comment: This sequence change replaces arginine, which is basic and polar, with glycine, which is neutral and non-polar, at codon 85 of the RBM10 protein (p.Arg85Gly). This variant is not present in population databases (gnomAD no frequency). This variant has not been reported in the literature in individuals affected with RBM10-related conditions. ClinVar contains an entry for this variant (Variation ID: 1972929). Invitae Evidence Modeling of protein sequence and biophysical properties (such as structural, functional, and spatial information, amino acid conservation, physicochemical variation, residue mobility, and thermodynamic stability) indicates that this missense variant is not expected to disrupt RBM10 protein function with a negative predictive value of 80%. In summary, the available evidence is currently insufficient to determine the role of this variant in disease. Therefore, it has been classified as a Variant of Uncertain Significance.

NM_005676.5(RBM10):c.253C>G (p.Arg85Gly)

Gene: RBM10 (RNA binding motif protein 10; plus strand). Cytogenetic location: Xp11.3.
Variant type: single nucleotide variant.
Coding change: c.253C>G on transcript NM_005676.5 (MANE Select); coding-DNA position 253, C replaced by G.
Protein change: p.Arg85Gly; replaces arginine 85 with glycine.
Molecular consequence: missense variant. On other transcripts: intron variant (2).
Genome position (GRCh38, 1-based): chrX:47,171,079, C>G. VCF-style: chrX-47171079-C-G. GRCh37 (hg19) VCF-style: chrX-47030478-C-G.
Other names: c.253C>G, p.Arg85Gly (NM_001204467.2); c.448C>G, p.Arg150Gly (NM_001204468.2); c.201+1581C>G (NM_001204466.2, NM_152856.3); short protein forms R85G, R150G.
Identifiers: ClinVar variation 1972929 (VCV001972929.5), dbSNP rs782600932, ClinGen allele CA412790595.
Genomic context (GRCh38, chrX:47,171,079, plus strand): 5'-GTCGGCCAGGATTCCTACGAGGCCTCCCCGGGCTCCGAGACTCAGCGTAGGCGGCGGCGG[C>G]GGCACAGGCACAGCCCCACCGGCCCGCCAGGCTTCCCCCGAGACGGCGACTATCGGGACC-3'
Protein context (NP_005667.2, residues 75-95): GSETQRRRRR[Arg85Gly]HRHSPTGPPG